The following is an entry in ClinVar:

ClinVar aggregate classification (germline): Uncertain significance. Review status: criteria provided, multiple submitters, no conflicts (2 of 4 stars). 2 submissions from 2 submitters: Uncertain significance (2). Last evaluated 2024-12-03.

Conditions:
Charcot-Marie-Tooth disease type 2A1. Also called: CHARCOT-MARIE-TOOTH DISEASE, AXONAL, TYPE 2A1; CHARCOT-MARIE-TOOTH DISEASE, AXONAL, AUTOSOMAL DOMINANT, TYPE 2A1; CHARCOT-MARIE-TOOTH DISEASE, NEURONAL, TYPE 2A1; CHARCOT-MARIE-TOOTH NEUROPATHY, TYPE 2A1; HEREDITARY MOTOR AND SENSORY NEUROPATHY IIA1. Identifiers: Orphanet 99946, MedGen C1861678, MONDO:0007308, OMIM 118210.

Allele frequency attached by ClinVar (database versions not stated): gnomAD 0.00001; gnomAD exomes below 0.00001.
gnomAD v4.1: 3 of 1,613,964 alleles (0.00019%); highest among the groups gnomAD compares: Non-Finnish European, 0.00025%; no homozygotes.

Submissions (2):

Ambry Genetics
Classification: Uncertain significance. Last evaluated: 2024-12-03. Review status: criteria provided, single submitter. Criteria: Ambry Variant Classification Scheme 2023. Collection method: clinical testing. Allele origin: germline.
Comment: The p.E597K variant (also known as c.1789G>A), located in coding exon 18 of the KIF1B gene, results from a G to A substitution at nucleotide position 1789. The glutamic acid at codon 597 is replaced by lysine, an amino acid with similar properties. This amino acid position is conserved. In addition, this alteration is predicted to be deleterious by in silico analysis. The evidence for this gene-disease relationship is limited; therefore, the clinical significance of this alteration is unclear.

Revvity Omics, Revvity
Classification: Uncertain significance for Charcot-Marie-Tooth disease type 2A1. Last evaluated: 2021-01-04. Review status: criteria provided, single submitter. Criteria: ACMG Guidelines, 2015. Collection method: clinical testing. Allele origin: germline.

NM_001365951.3(KIF1B):c.1927G>A (p.Glu643Lys)

Gene: KIF1B (kinesin family member 1B; plus strand). Cytogenetic location: 1p36.22.
Variant type: single nucleotide variant.
Coding change: c.1927G>A on transcript NM_001365951.3 (MANE Select); coding-DNA position 1927, G replaced by A.
Protein change: p.Glu643Lys; replaces glutamic acid 643 with lysine.
Molecular consequence: missense variant.
Genome position (GRCh38, 1-based): chr1:10,296,962, G>A. VCF-style: chr1-10296962-G-A. GRCh37 (hg19) VCF-style: chr1-10357020-G-A.
Other names: c.1927G>A, p.Glu643Lys (NM_001365952.1); c.1789G>A, p.Glu597Lys (NM_001365953.1, NM_015074.3, NM_183416.4); short protein forms E643K, E597K.
Identifiers: ClinVar variation 1780152 (VCV001780152.6), dbSNP rs1650297228, ClinGen allele CA338316786.